The following is an entry in ClinVar:

NM_001382567.1(STIM1):c.1596G>T (p.Gln532His)

Gene: STIM1 (stromal interaction molecule 1; plus strand). Cytogenetic location: 11p15.4.
Variant type: single nucleotide variant.
Coding change: c.1596G>T on transcript NM_001382567.1 (MANE Select); coding-DNA position 1596, G replaced by T.
Protein change: p.Gln532His; replaces glutamine 532 with histidine.
Molecular consequence: missense variant. On other transcripts: non-coding transcript variant (3).
Genome position (GRCh38, 1-based): chr11:4,086,505, G>T. VCF-style: chr11-4086505-G-T. GRCh37 (hg19) VCF-style: chr11-4107735-G-T.
Other names: c.1503G>T, p.Gln501His (NM_001277961.3, NM_001277962.2, NM_003156.4); c.1281G>T, p.Gln427His (NM_001382566.1, NM_001382575.1, NM_001382576.1 and 3 more transcripts); c.1524G>T, p.Gln508His (NM_001382568.1); c.1368G>T, p.Gln456His (NM_001382569.1); c.1275G>T, p.Gln425His (NM_001382570.1); c.1023G>T, p.Gln341His (NM_001382571.1); c.1014G>T, p.Gln338His (NM_001382580.1, NM_001382581.1); short protein forms Q338H, Q341H, Q425H, Q427H, Q456H, Q501H, Q508H, Q532H.
Identifiers: ClinVar variation 1683574 (VCV001683574.3), dbSNP rs1425652473, ClinGen allele CA379194870.

ClinVar aggregate classification (germline): Uncertain significance (1 of 4 stars; one submission).

Conditions:
Combined immunodeficiency due to STIM1 deficiency. Also called: STIM1 DEFICIENCY; IMMUNODEFICIENCY 10. Identifiers: Orphanet 169090, Orphanet 317430, MedGen C2748557, MONDO:0013008, OMIM 612783.

Submission:

Laboratorio de Genetica e Diagnostico Molecular, Hospital Israelita Albert Einstein
Classification: Uncertain significance for Combined immunodeficiency due to STIM1 deficiency. Last evaluated: 2022-02-11. Review status: criteria provided, single submitter. Criteria: ACMG Guidelines, 2015. Collection method: clinical testing. Allele origin: germline. Affected: yes.
Comment: ACMG classification criteria: PM2 moderate, BP4 supporting